The following is an entry in ClinVar:

ClinVar aggregate classification (germline): Pathogenic. Review status: criteria provided, multiple submitters, no conflicts (2 of 4 stars). 2 submissions from 2 submitters: Pathogenic (2). Last evaluated 2024-09-04.

Submissions (2):

GeneDx
Classification: Pathogenic. Last evaluated: 2024-09-04. Review status: criteria provided, single submitter. Criteria: GeneDx Variant Classification Process June 2021. Collection method: clinical testing. Allele origin: germline. Affected: yes.
Comment: Nonsense variant predicted to result in protein truncation or nonsense mediated decay in a gene for which loss of function is a known mechanism of disease; Not observed in large population cohorts (gnomAD); Has not been previously published as pathogenic or benign to our knowledge

Labcorp Genetics (formerly Invitae), Labcorp
Classification: Pathogenic. Last evaluated: 2022-08-01. Review status: criteria provided, single submitter. Criteria: Invitae Variant Classification Sherloc (09022015). Collection method: clinical testing. Allele origin: germline.
Comment: For these reasons, this variant has been classified as Pathogenic. This variant has not been reported in the literature in individuals affected with ABCA4-related conditions. This variant is not present in population databases (gnomAD no frequency). This sequence change creates a premature translational stop signal (p.Leu980*) in the ABCA4 gene. It is expected to result in an absent or disrupted protein product. Loss-of-function variants in ABCA4 are known to be pathogenic (PMID: 10958761, 24938718, 25312043, 26780318).

Literature cited by the submitters: PubMed 10958761 (cited by Labcorp Genetics (formerly Invitae), Labcorp); PubMed 24938718 (cited by Labcorp Genetics (formerly Invitae), Labcorp); PubMed 25312043 (cited by Labcorp Genetics (formerly Invitae), Labcorp); PubMed 26780318 (cited by Labcorp Genetics (formerly Invitae), Labcorp).

NM_000350.3(ABCA4):c.2939T>A (p.Leu980Ter)

Gene: ABCA4 (ATP binding cassette subfamily A member 4; minus strand). Cytogenetic location: 1p22.1.
Variant type: single nucleotide variant.
Coding change: c.2939T>A on transcript NM_000350.3 (MANE Select); coding-DNA position 2939, T replaced by A.
Protein change: p.Leu980Ter; replaces leucine 980 with a stop codon.
Molecular consequence: nonsense.
Genome position (GRCh38, 1-based): chr1:94,044,724, A>T on the plus strand (T>A on the coding strand, the complement: ABCA4 is on the minus strand). VCF-style: chr1-94044724-A-T. GRCh37 (hg19) VCF-style: chr1-94510280-A-T.
Other names: c.2717T>A, p.Leu906Ter (NM_001425324.1); c.2939T>A (NM_000350.2); short protein forms L980*, L906*.
Identifiers: ClinVar variation 2021075 (VCV002021075.5), dbSNP rs2523780335, ClinGen allele CA341275239.
Genomic context (GRCh38, chr1:94,044,724, plus strand): 5'-GCATCCAGGCTGGTTTCAATGTCCCTTCCCCCAACGAGCACAGTCCCAGAGGTTGGTGGC[A>T]ACAGACCCGTCAGGATGGACCTGCAGAACACAGGCGTCAGTGGCAGAAGAGATGGCCTTT-3'